The following is an entry in ClinVar:

ClinVar aggregate classification (germline): Likely pathogenic. Review status: reviewed by expert panel (3 of 4 stars). 4 submissions from 4 submitters: Likely pathogenic (1). 3 of the submissions do not count toward it. Last evaluated 2023-09-25.

Conditions:
CDH1-related diffuse gastric and lobular breast cancer syndrome. Also called: CDH1-related diffuse gastric and lobular breast cancer. Identifiers: MedGen CN311521, MONDO:0100488.
Hereditary cancer-predisposing syndrome. Also called: Tumor predisposition; Neoplastic Syndromes, Hereditary; Hereditary neoplastic syndrome; Hereditary Cancer Syndrome. Identifiers: Orphanet 140162, MedGen C0027672, MeSH D009386, MONDO:0015356.
Hereditary diffuse gastric adenocarcinoma (HDGC). Also called: DIFFUSE GASTRIC AND LOBULAR BREAST CANCER SYNDROME. Identifiers: Orphanet 26106, MedGen C1708349, MONDO:0007648, OMIM 137215.

Submissions (4):

Clingen Gastric Cancer Variant Curation Expert Panel
Classification: Likely pathogenic for CDH1-related diffuse gastric and lobular breast cancer syndrome. Last evaluated: 2023-09-25. Review status: reviewed by expert panel. Criteria: ClinGen CDH1 ACMG Specifications V3.1. Collection method: curation. Allele origin: germline. Inheritance: Autosomal dominant inheritance.
Comment: The NM_004360.5(CDH1): c.2439+5_2439+8del is absent in the gnomAD cohort (PM2_Supporting). This variant is predicted to affect splicing by SpliceAI and NNSPLICE (PP3). Additionally, there is an RNA assay demonstrating an abnormal out-of-frame transcript for this variant (PS3, internal laboratory contributors). This variant has also been reported in at least 2 families meeting HDGC clinical criteria (PS4_Moderate; Internal laboratory contributors). In summary, this variant meets criteria to be classified as likely pathogenic based on the ACMG/AMP criteria applied as specified by the CDH1 Variant Curation Expert Panel (Variant Interpretation Guidelines Version 3.1): PM2_Supporting, PP3, PS3, PS4_Moderate.

Ambry Genetics
Classification: Likely pathogenic for Hereditary cancer-predisposing syndrome. Last evaluated: 2025-04-11. Review status: criteria provided, single submitter. Criteria: Ambry Variant Classification Scheme 2023. Collection method: clinical testing. Allele origin: germline. Not counted in ClinVar's aggregate classification.
Comment: The c.2439+5_2439+8delGTAA intronic variant is located after coding exon 15 of the CDH1 gene. This variant results from a deletion of 4 nucleotides at positions c.2439+5 to c.2439+8. This alteration was identified in a proband with diffuse gastric cancer and lobular breast cancer (van der Post RS et al. Gastroenterology. 2015 Oct;149(4):897-906.e19). This region is highly conserved through primates but not in all available vertebrate species. Internal RNA studies confirm that this alteration results in abnormal splicing in the set of samples tested (Ambry internal data). Based on the majority of available evidence to date, this variant is likely to be pathogenic.

Labcorp Genetics (formerly Invitae), Labcorp
Classification: Uncertain significance for Hereditary diffuse gastric adenocarcinoma. Last evaluated: 2024-04-10. Review status: criteria provided, single submitter. Criteria: Invitae Variant Classification Sherloc (09022015). Collection method: clinical testing. Allele origin: germline. Not counted in ClinVar's aggregate classification.
Comment: This sequence change falls in intron 15 of the CDH1 gene. It does not directly change the encoded amino acid sequence of the CDH1 protein. It affects a nucleotide within the consensus splice site. This variant is not present in population databases (gnomAD no frequency). This variant has been observed in individual(s) with diffuse gastric cancer, breast cancer, and/or endometrial cancer (PMID: 26072394, 29798843). ClinVar contains an entry for this variant (Variation ID: 142905). Variants that disrupt the consensus splice site are a relatively common cause of aberrant splicing (PMID: 17576681, 9536098). Algorithms developed to predict the effect of sequence changes on RNA splicing suggest that this variant may disrupt the consensus splice site. In summary, the available evidence is currently insufficient to determine the role of this variant in disease. Therefore, it has been classified as a Variant of Uncertain Significance.

European Reference Network on Genetic Tumour Risk Syndromes (ERN-GENTURIS), i3s - Instituto de Investigação e Inovação em Saúde, University of Porto
Classification: Likely pathogenic for Hereditary diffuse gastric adenocarcinoma. Last evaluated: 2022-08-01. Review status: criteria provided, single submitter. Criteria: Lee et al. (Hum Mutat. 2018). Collection method: clinical testing. Allele origin: germline. Inheritance: Autosomal dominant inheritance. Affected: yes. Study: ERN GENTURIS. Not counted in ClinVar's aggregate classification.
Comment: PS3; PS4_Supporting; PM2; PP3 (PMID: 30311375)

Literature cited by the submitters: PubMed 26072394 (cited by 3 submitters); PubMed 29798843 (cited by Labcorp Genetics (formerly Invitae), Labcorp); PubMed 17576681 (cited by Labcorp Genetics (formerly Invitae), Labcorp); PubMed 9536098 (cited by Labcorp Genetics (formerly Invitae), Labcorp); PubMed 36436516 (cited by European Reference Network on Genetic Tumour Risk Syndromes (ERN-GENTURIS), i3s - Instituto de Investigação e Inovação em Saúde, University of Porto).

NM_004360.5(CDH1):c.2439+5_2439+8del

Gene: CDH1 (cadherin 1; plus strand). Cytogenetic location: 16q22.1.
Variant type: Microsatellite.
Coding change: c.2439+5_2439+8del on transcript NM_004360.5 (MANE Select); bases 5 to 8 of the intron after coding-DNA position 2439, 4 bases deleted (GTAA; older notation c.2439+5_2439+8delGTAA).
Molecular consequence: splice donor variant.
Genome position (GRCh38, 1-based): chr16:68,829,802-68,829,805, GTAA deleted; deleting any 4 consecutive bases within chr16:68,829,796-68,829,805 gives the same sequence; the c. name uses the placement nearest the transcript's 3' end. VCF-style (leftmost placement, unchanged base first): chr16-68829795-GAAGT-G. GRCh37 (hg19) VCF-style: chr16-68863698-GAAGT-G.
Other names: c.891+5_891+8del (NM_001317185.2); c.474+5_474+8del (NM_001317186.2); c.2256+5_2256+8del (NM_001317184.2); c.2439+5_2439+8delGTAA (NM_004360.4).
Identifiers: ClinVar variation 142905 (VCV000142905.15), dbSNP rs587782810, ClinGen allele CA169722.